The following is an entry in ClinVar:

ClinVar aggregate classification (germline): Uncertain significance (1 of 4 stars; one submission).

Submission:

GeneDx
Classification: Uncertain significance. Last evaluated: 2025-04-23. Review status: criteria provided, single submitter. Criteria: GeneDx Variant Classification Process June 2021. Collection method: clinical testing. Allele origin: germline. Affected: yes.
Comment: Not observed at significant frequency in large population cohorts (gnomAD); In silico analysis indicates that this missense variant does not alter protein structure/function; Has not been previously published as pathogenic or benign to our knowledge

NM_001127464.1:c.7984G>A

Gene: ZNF469 (zinc finger protein 469; plus strand).
Variant type: single nucleotide variant.
Identifiers: ClinVar variation 4527292 (VCV004527292.1).